The following is an entry in ClinVar:

NM_001843.4(CNTN1):c.773A>G (p.Asn258Ser)

Gene: CNTN1 (contactin 1; plus strand). Cytogenetic location: 12q12.
Variant type: single nucleotide variant.
Coding change: c.773A>G on transcript NM_001843.4 (MANE Select); coding-DNA position 773, A replaced by G.
Protein change: p.Asn258Ser; replaces asparagine 258 with serine.
Molecular consequence: missense variant.
Genome position (GRCh38, 1-based): chr12:40,933,530, A>G. VCF-style: chr12-40933530-A-G. GRCh37 (hg19) VCF-style: chr12-41327332-A-G.
Other names: c.773A>G, p.Asn258Ser (NM_001256063.2, NM_001256064.2); c.740A>G, p.Asn247Ser (NM_175038.2); short protein forms N258S, N247S.
Identifiers: ClinVar variation 835080 (VCV000835080.8), dbSNP rs139270901, ClinGen allele CA235398256.
Genomic context (GRCh38, chr12:40,933,530, plus strand): 5'-AACCATATCCTGCTGATATTGTAGTTCAGTTCAAGGATGTATATGCATTGATGGGCCAAA[A>G]TGTGACCTTAGAATGTTTTGCACTTGGAAAGTAAGTATACTGACACTTTTATTAATATAT-3'
Protein context (NP_001834.2, residues 248-268): FKDVYALMGQ[Asn258Ser]VTLECFALGN

ClinVar aggregate classification (germline): Uncertain significance (1 of 4 stars; one submission).

Conditions:
Compton-North congenital myopathy (CMYO12). Identifiers: Orphanet 210163, MedGen C2675527, MONDO:0012929, OMIM 612540.

Allele frequency attached by ClinVar (database versions not stated): gnomAD 0.00001; gnomAD exomes 0.00002; TOPMed 0.00002; ESP Exome Variant Server 0.00008.
gnomAD v4.1: 13 of 1,611,384 alleles (0.00081%); highest among the groups gnomAD compares: Non-Finnish European, 0.0011%; no homozygotes.

Submission:

Labcorp Genetics (formerly Invitae), Labcorp
Classification: Uncertain significance for Compton-North congenital myopathy. Last evaluated: 2023-11-27. Review status: criteria provided, single submitter. Criteria: Invitae Variant Classification Sherloc (09022015). Collection method: clinical testing. Allele origin: germline.
Comment: This sequence change replaces asparagine, which is neutral and polar, with serine, which is neutral and polar, at codon 258 of the CNTN1 protein (p.Asn258Ser). This variant is present in population databases (rs139270901, gnomAD 0.005%). This variant has not been reported in the literature in individuals affected with CNTN1-related conditions. ClinVar contains an entry for this variant (Variation ID: 835080). Advanced modeling of protein sequence and biophysical properties (such as structural, functional, and spatial information, amino acid conservation, physicochemical variation, residue mobility, and thermodynamic stability) performed at Invitae indicates that this missense variant is not expected to disrupt CNTN1 protein function with a negative predictive value of 95%. In summary, the available evidence is currently insufficient to determine the role of this variant in disease. Therefore, it has been classified as a Variant of Uncertain Significance.